The following is an entry in ClinVar:

NM_000203.5(IDUA):c.1723_1727+4del

Gene: IDUA (alpha-L-iduronidase; plus strand). Cytogenetic location: 4p16.3.
Variant type: Deletion.
Coding change: c.1723_1727+4del on transcript NM_000203.5 (MANE Select); coding-DNA position 1723 through 4 bases into the intron after coding-DNA position 1727, 9 bases deleted (TCCAAGTGC; older notation c.1723_1727+4delTCCAAGTGC).
Molecular consequence: splice donor variant. On other transcripts: non-coding transcript variant (1).
Genome position (GRCh38, 1-based): chr4:1,003,621-1,003,629, TCCAAGTGC deleted; deleting any 9 consecutive bases within chr4:1,003,619-1,003,629 gives the same sequence; the c. name uses the placement nearest the transcript's 3' end. VCF-style (leftmost placement, unchanged base first): chr4-1003618-GGCTCCAAGT-G. GRCh37 (hg19) VCF-style: chr4-997406-GGCTCCAAGT-G.
Other names: c.1723_1727+4delTCCAAGTGC (NM_000203.4); c.1327_1331+4del (NM_001363576.1).
Identifiers: ClinVar variation 2812899 (VCV002812899.4), dbSNP rs1715262294, ClinGen allele CA1433072258.
Genomic context (GRCh38, chr4:1,003,618, plus strand): 5'-CTCCGCGCCCTGCCCCTGACCCAAGGGCAGCTGGTTCTGGTCTGGTCGGATGAACACGTG[GGCTCCAAGT>G]GCGTGAGTGGGGCCGCCCCTCCCTCTGCCTGGTCCTAGGCAGGTCCCTGGGTCCCGACCC-3'

ClinVar aggregate classification (germline): Likely pathogenic. Review status: criteria provided, multiple submitters, no conflicts (2 of 4 stars). 2 submissions from 2 submitters: Likely pathogenic (2). Last evaluated 2025-02-07.

Conditions:
Mucopolysaccharidosis type 1. Also called: IDUA deficiency; MPS I; Mucopolysaccharidosis Type I. Identifiers: Orphanet 579, MedGen C0023786, MONDO:0001586.

Submissions (2):

Natera, Inc.
Classification: Likely pathogenic for Mucopolysaccharidosis type I. Last evaluated: 2025-02-07. Review status: criteria provided, single submitter. Criteria: Natera Variant Classification Schema (03/2026). Collection method: clinical testing. Allele origin: germline.
Comment: The c.1723_1727+4delTCCAAGTGC variant in IDUA is a deletion affecting a canonical splice donor site and part of an exon. This variant is expected to result in nonsense mediated decay, truncation, or a dysfunctional protein product. This variant is rare in the general population with a frequency below the threshold expected for the associated phenotype(s). Given the available evidence, this variant is classified as Likely Pathogenic.

Labcorp Genetics (formerly Invitae), Labcorp
Classification: Likely pathogenic for Mucopolysaccharidosis type 1. Last evaluated: 2023-10-06. Review status: criteria provided, single submitter. Criteria: Invitae Variant Classification Sherloc (09022015). Collection method: clinical testing. Allele origin: germline.
Comment: This variant results in the deletion of part of exon 12 (c.1723_1727+4del) of the IDUA gene. It is expected to disrupt RNA splicing. Variants that disrupt the donor or acceptor splice site typically lead to a loss of protein function (PMID: 16199547), and loss-of-function variants in IDUA are known to be pathogenic (PMID: 11735025, 21480867). This variant is not present in population databases (gnomAD no frequency). This variant has not been reported in the literature in individuals affected with IDUA-related conditions. In summary, the currently available evidence indicates that the variant is pathogenic, but additional data are needed to prove that conclusively. Therefore, this variant has been classified as Likely Pathogenic.

Literature cited by the submitters: PubMed 16199547 (cited by Labcorp Genetics (formerly Invitae), Labcorp); PubMed 11735025 (cited by Labcorp Genetics (formerly Invitae), Labcorp); PubMed 21480867 (cited by Labcorp Genetics (formerly Invitae), Labcorp).